The following is an entry in ClinVar:

ClinVar aggregate classification (germline): Uncertain significance (1 of 4 stars; one submission).

Submission:

Ambry Genetics
Classification: Uncertain significance. Last evaluated: 2025-09-19. Review status: criteria provided, single submitter. Criteria: Ambry Variant Classification Scheme 2023. Collection method: clinical testing. Allele origin: germline.
Comment: The p.G391R variant (also known as c.1171G>C), located in coding exon 12 of the KIF1B gene, results from a G to C substitution at nucleotide position 1171. The glycine at codon 391 is replaced by arginine, an amino acid with dissimilar properties. This amino acid position is conserved. In addition, the in silico prediction for this alteration is inconclusive. Based on the available evidence, the clinical significance of this variant remains unclear.

NM_001365951.3(KIF1B):c.1309G>C (p.Gly437Arg)

Gene: KIF1B (kinesin family member 1B; plus strand). Cytogenetic location: 1p36.22.
Variant type: single nucleotide variant.
Coding change: c.1309G>C on transcript NM_001365951.3 (MANE Select); coding-DNA position 1309, G replaced by C.
Protein change: p.Gly437Arg; replaces glycine 437 with arginine.
Molecular consequence: missense variant.
Genome position (GRCh38, 1-based): chr1:10,282,408, G>C. VCF-style: chr1-10282408-G-C. GRCh37 (hg19) VCF-style: chr1-10342466-G-C.
Other names: c.1309G>C, p.Gly437Arg (NM_001365952.1); c.1171G>C, p.Gly391Arg (NM_001365953.1, NM_015074.3, NM_183416.4); short protein forms G391R, G437R.
Identifiers: ClinVar variation 4543619 (VCV004543619.1).